The following is an entry in ClinVar:

ClinVar aggregate classification (germline): Uncertain significance. Review status: criteria provided, multiple submitters, no conflicts (2 of 4 stars). 2 submissions from 2 submitters: Uncertain significance (2). Last evaluated 2024-04-23.

Conditions:
Steel syndrome (STLS). Identifiers: Orphanet 438117, MedGen C3554594, MONDO:0014061, OMIM 615155.

Allele frequency attached by ClinVar (database versions not stated): gnomAD 0.00001; ESP Exome Variant Server 0.00008.

Submissions (2):

Labcorp Genetics (formerly Invitae), Labcorp
Classification: Uncertain significance. Last evaluated: 2024-04-23. Review status: criteria provided, single submitter. Criteria: Invitae Variant Classification Sherloc (09022015). Collection method: clinical testing. Allele origin: germline.
Comment: This sequence change replaces proline, which is neutral and non-polar, with leucine, which is neutral and non-polar, at codon 1615 of the COL27A1 protein (p.Pro1615Leu). This variant is present in population databases (rs145134644, gnomAD 0.03%). This variant has not been reported in the literature in individuals affected with COL27A1-related conditions. ClinVar contains an entry for this variant (Variation ID: 2151485). Advanced modeling of protein sequence and biophysical properties (such as structural, functional, and spatial information, amino acid conservation, physicochemical variation, residue mobility, and thermodynamic stability) has been performed at Invitae for this missense variant, however the output from this modeling did not meet the statistical confidence thresholds required to predict the impact of this variant on COL27A1 protein function. In summary, the available evidence is currently insufficient to determine the role of this variant in disease. Therefore, it has been classified as a Variant of Uncertain Significance.

Genomic Medicine Center of Excellence, King Faisal Specialist Hospital and Research Centre
Classification: Uncertain significance for Steel syndrome. Last evaluated: 2024-03-26. Review status: criteria provided, single submitter. Criteria: ACMG Guidelines, 2015. Collection method: clinical testing. Allele origin: germline.

NM_032888.4(COL27A1):c.4844C>T (p.Pro1615Leu)

Gene: COL27A1 (collagen type XXVII alpha 1 chain; plus strand). Cytogenetic location: 9q32.
Variant type: single nucleotide variant.
Coding change: c.4844C>T on transcript NM_032888.4 (MANE Select); coding-DNA position 4844, C replaced by T.
Protein change: p.Pro1615Leu; replaces proline 1615 with leucine.
Molecular consequence: missense variant.
Genome position (GRCh38, 1-based): chr9:114,301,716, C>T. VCF-style: chr9-114301716-C-T. GRCh37 (hg19) VCF-style: chr9-117063996-C-T.
Other names: short protein forms P1615L.
Identifiers: ClinVar variation 2151485 (VCV002151485.4), dbSNP rs145134644, ClinGen allele CA5203151.